The following is an entry in ClinVar:

NM_021615.5(CHST6):c.382G>A (p.Ala128Thr)

Gene: CHST6 (carbohydrate sulfotransferase 6; minus strand). Cytogenetic location: 16q23.1.
Variant type: single nucleotide variant.
Coding change: c.382G>A on transcript NM_021615.5 (MANE Select); coding-DNA position 382, G replaced by A.
Protein change: p.Ala128Thr; replaces alanine 128 with threonine.
Molecular consequence: missense variant.
Genome position (GRCh38, 1-based): chr16:75,479,447, C>T on the plus strand (G>A on the coding strand, the complement: CHST6 is on the minus strand). VCF-style: chr16-75479447-C-T. GRCh37 (hg19) VCF-style: chr16-75513345-C-T.
Other names: short protein forms A128T.
Identifiers: ClinVar variation 3581262 (VCV003581262.3).
Genomic context (GRCh38, chr16:75,479,447, plus strand): 5'-CGGCCTCGCTGCTGATGGCGCCTCGGGGAAAGGCACTGCAGGCGGGTGGCGAGCACAGTG[C>T]ACGGCTCACGGCCCACTGGAAGAGGTCGGACAGGTTGCGGCGCCAAGGCAGATAGGCATC-3'
Protein context (NP_067628.1, residues 118-138): SDLFQWAVSR[Ala128Thr]LCSPPACSAF

ClinVar aggregate classification (germline): Likely pathogenic. Review status: criteria provided, multiple submitters, no conflicts (2 of 4 stars). 3 submissions from 3 submitters: Likely pathogenic (3). Last evaluated 2025-01-28.

Conditions:
CHST6-related disorder. Also called: CHST6-related condition.
Macular corneal dystrophy (MCD). Also called: Macular corneal dystrophy Type I; GROENOUW TYPE II CORNEAL DYSTROPHY. Identifiers: Orphanet 98969, MedGen C1636149, MONDO:0009020, OMIM 217800.

gnomAD v4.1: 1 of 1,612,896 alleles (0.000062%); highest among the groups gnomAD compares: Middle Eastern, 0.016%; no homozygotes.

Submissions (3):

First Genomix Gene Laboratory, Genetic Diagnostics Department
Classification: Likely pathogenic for Macular corneal dystrophy. Last evaluated: 2025-01-28. Review status: criteria provided, single submitter. Criteria: ACMG Guidelines, 2015. Collection method: clinical testing. Allele origin: germline. Inheritance: Autosomal recessive inheritance. Affected: no. Observed: 1 variant allele.

Fulgent Genetics
Classification: Likely pathogenic for Macular corneal dystrophy. Last evaluated: 2024-05-04. Review status: criteria provided, single submitter. Criteria: ACMG Guidelines, 2015. Collection method: clinical testing. Allele origin: germline.

Blueprint Genetics
Classification: Likely pathogenic for CHST6-related disorders. Last evaluated: 2023-07-21. Review status: criteria provided, single submitter. Criteria: ACMG Guidelines, 2015. Collection method: clinical testing. Allele origin: germline. Affected: yes. Observed: 1 variant allele.